The following is an entry in ClinVar:

NM_006005.3(WFS1):c.1692C>T (p.Phe564=)

Gene: WFS1 (wolframin ER transmembrane glycoprotein; plus strand). Cytogenetic location: 4p16.1.
Variant type: single nucleotide variant.
Coding change: c.1692C>T on transcript NM_006005.3 (MANE Select); coding-DNA position 1692, C replaced by T.
Protein change: p.Phe564=; no amino-acid change (phenylalanine 564 retained).
Molecular consequence: synonymous variant.
Genome position (GRCh38, 1-based): chr4:6,301,487, C>T. VCF-style: chr4-6301487-C-T. GRCh37 (hg19) VCF-style: chr4-6303214-C-T.
Other names: c.1692C>T, p.Phe564= (NM_001145853.1).
Identifiers: ClinVar variation 1652549 (VCV001652549.33), dbSNP rs140643985, ClinGen allele CA2839448.

ClinVar aggregate classification (germline): Likely benign. Review status: criteria provided, multiple submitters, no conflicts (2 of 4 stars). 3 submissions from 3 submitters: Likely benign (3). Last evaluated 2025-08-21.

gnomAD v4.1: 26 of 1,612,920 alleles (0.0016%); highest among the groups gnomAD compares: Admixed American, 0.0067%; no homozygotes.

Submissions (3):

Labcorp Genetics (formerly Invitae), Labcorp
Classification: Likely benign. Last evaluated: 2025-08-21. Review status: criteria provided, single submitter. Criteria: Invitae Variant Classification Sherloc (09022015). Collection method: clinical testing. Allele origin: germline.

CeGaT Center for Human Genetics Tuebingen
Classification: Likely benign. Last evaluated: 2022-09-01. Review status: criteria provided, single submitter. Criteria: CeGaT Center For Human Genetics Tuebingen Variant Classification Criteria Version 2. Collection method: clinical testing. Allele origin: germline. Affected: yes. Observed: 1 variant allele.
Comment: WFS1: BP4, BP7

Blueprint Genetics
Classification: Likely benign. Last evaluated: 2021-01-18. Review status: criteria provided, single submitter. Criteria: ACMG Guidelines, 2015. Collection method: clinical testing. Allele origin: germline.